The following is an entry in ClinVar:

NM_001127222.2(CACNA1A):c.2996dup (p.Glu1000fs)

Gene: CACNA1A (calcium voltage-gated channel subunit alpha1 A; minus strand). Cytogenetic location: 19p13.13.
Variant type: Duplication.
Coding change: c.2996dup on transcript NM_001127222.2 (MANE Select); coding-DNA position 2996, one base duplicated (G; older notation c.2996dupG).
Protein change: p.Glu1000fs; shifts the reading frame from glutamic acid 1000.
Molecular consequence: frameshift variant.
Genome position (GRCh38, 1-based): chr19:13,298,637, C duplicated on the plus strand (G on the coding strand, the reverse complement: CACNA1A is on the minus strand); the first of 5 consecutive C bases (chr19:13,298,637-13,298,641); duplicating any one gives the same sequence. VCF-style (leftmost placement, unchanged base first): chr19-13298636-G-GC. GRCh37 (hg19) VCF-style: chr19-13409450-G-GC.
Other names: c.3008dup, p.Glu1004fs (NM_000068.4, NM_023035.3); c.2999dup, p.Glu1001fs (NM_001127221.2, NM_001174080.2); short protein forms E1000fs, E1001fs, E1004fs.
Identifiers: ClinVar variation 995011 (VCV000995011.1), dbSNP rs2057721188, ClinGen allele CA1139666318.

ClinVar aggregate classification (germline): Pathogenic (1 of 4 stars; one submission).

Submission:

Athena Diagnostics
Classification: Pathogenic. Last evaluated: 2020-02-05. Review status: criteria provided, single submitter. Criteria: Athena Diagnostics Criteria. Collection method: clinical testing. Allele origin: unknown.
Comment: The variant results in a shift of the reading frame, and is therefore predicted to result in the loss of a functional protein. Found in at least one patient with expected phenotype for this gene, and not found in general population data.

Literature cited by the submitters: PubMed 14718690.